The following is an entry in ClinVar:

NM_015346.4(ZFYVE26):c.2427C>T (p.Gly809=)

Gene: ZFYVE26 (zinc finger FYVE-type containing 26; minus strand). Cytogenetic location: 14q24.1.
Variant type: single nucleotide variant.
Coding change: c.2427C>T on transcript NM_015346.4 (MANE Select); coding-DNA position 2427, C replaced by T.
Protein change: p.Gly809=; no amino-acid change (glycine 809 retained).
Molecular consequence: synonymous variant.
Genome position (GRCh38, 1-based): chr14:67,793,734, G>A on the plus strand (C>T on the coding strand, the complement: ZFYVE26 is on the minus strand). VCF-style: chr14-67793734-G-A. GRCh37 (hg19) VCF-style: chr14-68260451-G-A.
Identifiers: ClinVar variation 313911 (VCV000313911.17), dbSNP rs144063215, ClinGen allele CA7240277.

ClinVar aggregate classification (germline): Conflicting classifications of pathogenicity. Review status: criteria provided, conflicting classifications (1 of 4 stars). 5 submissions from 5 submitters: Uncertain significance (1); Benign (1); Likely benign (2). 1 of the submissions does not count toward it. Last evaluated 2025-12-08.

Conditions:
Spastic paraplegia. Identifiers: MedGen C0037772, HP:0001258.
Hereditary spastic paraplegia 15 (SPG15). Also called: KJELLIN SYNDROME; SPASTIC PARAPLEGIA 15, AUTOSOMAL RECESSIVE; SPASTIC PARAPLEGIA AND RETINAL DEGENERATION. Identifiers: Orphanet 100996, MedGen C1849128, MONDO:0010044, OMIM 270700.
ZFYVE26-related disorder. Also called: ZFYVE26-related condition.

Allele frequency attached by ClinVar (database versions not stated): gnomAD 0.00002 and 0.00009; TOPMed 0.00011; gnomAD exomes 0.00026 and 0.00033; ExAC 0.00032; 1000 Genomes Project 30x 0.00078; 1000 Genomes Project 0.00100.
gnomAD v4.1: 386 of 1,613,914 alleles (0.024%); highest among the groups gnomAD compares: East Asian, 0.82%; 2 homozygotes.

Submissions (5):

Labcorp Genetics (formerly Invitae), Labcorp
Classification: Benign for Spastic paraplegia. Last evaluated: 2025-12-08. Review status: criteria provided, single submitter. Criteria: Invitae Variant Classification Sherloc (09022015). Collection method: clinical testing. Allele origin: germline.

Blueprint Genetics
Classification: Likely benign. Last evaluated: 2022-07-29. Review status: criteria provided, single submitter. Criteria: ACMG Guidelines, 2015. Collection method: clinical testing. Allele origin: germline.

Illumina Laboratory Services, Illumina
Classification: Uncertain significance for Hereditary spastic paraplegia 15. Last evaluated: 2018-01-13. Review status: criteria provided, single submitter. Criteria: ICSL Variant Classification Criteria 13 December 2019. Collection method: clinical testing. Allele origin: germline.

GeneDx
Classification: Likely benign. Last evaluated: 2017-06-06. Review status: criteria provided, single submitter. Criteria: GeneDx Variant Classification (06012015). Collection method: clinical testing. Allele origin: germline. Affected: yes.
Comment: This variant is considered likely benign or benign based on one or more of the following criteria: it is a conservative change, it occurs at a poorly conserved position in the protein, it is predicted to be benign by multiple in silico algorithms, and/or has population frequency not consistent with disease.

PreventionGenetics, part of Exact Sciences
Classification: Likely benign for ZFYVE26-related condition. Last evaluated: 2023-03-16. Review status: no assertion criteria provided. Collection method: clinical testing. Allele origin: germline. Not counted in ClinVar's aggregate classification.
Comment: This variant is classified as likely benign based on ACMG/AMP sequence variant interpretation guidelines (Richards et al. 2015 PMID: 25741868, with internal and published modifications).